The following is an entry in ClinVar:

NM_001204375.2(NPR3):c.1321C>T (p.Arg441Cys)

Gene: NPR3 (natriuretic peptide receptor 3; plus strand). Cytogenetic location: 5p13.3.
Variant type: single nucleotide variant.
Coding change: c.1321C>T on transcript NM_001204375.2 (MANE Select); coding-DNA position 1321, C replaced by T.
Protein change: p.Arg441Cys; replaces arginine 441 with cysteine.
Molecular consequence: missense variant.
Genome position (GRCh38, 1-based): chr5:32,782,923, C>T. VCF-style: chr5-32782923-C-T. GRCh37 (hg19) VCF-style: chr5-32783029-C-T.
Other names: c.1321C>T, p.Arg441Cys (NM_000908.4); c.673C>T, p.Arg225Cys (NM_001204376.2, NM_001363652.2); c.601C>T, p.Arg201Cys (NM_001364458.2); c.550C>T, p.Arg184Cys (NM_001364460.2); short protein forms R201C, R441C, R184C, R225C.
Identifiers: ClinVar variation 1418436 (VCV001418436.6), dbSNP rs371797796, ClinGen allele CA3222633.

ClinVar aggregate classification (germline): Uncertain significance (1 of 4 stars; one submission).

Allele frequency attached by ClinVar (database versions not stated): TOPMed 0.00002; ExAC 0.00003; gnomAD 0.00003; gnomAD exomes 0.00003; ESP Exome Variant Server 0.00008.
gnomAD v4.1: 140 of 1,611,524 alleles (0.0087%); highest among the groups gnomAD compares: Non-Finnish European, 0.012%; no homozygotes.

Submission:

Labcorp Genetics (formerly Invitae), Labcorp
Classification: Uncertain significance. Last evaluated: 2021-10-27. Review status: criteria provided, single submitter. Criteria: Invitae Variant Classification Sherloc (09022015). Collection method: clinical testing. Allele origin: germline.
Comment: This sequence change replaces arginine, a(n) basic and polar amino acid, with cysteine, a(n) neutral and slightly polar amino acid, at codon 441 of the NPR3 protein (p.Arg441Cys). This variant is present in population databases (rs371797796, gnomAD 0.008%). This variant has not been reported in the literature in individuals affected with NPR3-related conditions. Algorithms developed to predict the effect of missense changes on protein structure and function are either unavailable or do not agree on the potential impact of this missense change (SIFT: "Deleterious"; PolyPhen-2: "Benign"; Align-GVGD: "Class C15"). In summary, the available evidence is currently insufficient to determine the role of this variant in disease. Therefore, it has been classified as a Variant of Uncertain Significance.